The following is an entry in ClinVar:

ClinVar aggregate classification (germline): Uncertain significance (1 of 4 stars; one submission).

Submission:

Labcorp Genetics (formerly Invitae), Labcorp
Classification: Uncertain significance. Last evaluated: 2025-11-12. Review status: criteria provided, single submitter. Criteria: Invitae Variant Classification Sherloc (09022015). Collection method: clinical testing. Allele origin: germline.
Comment: This sequence change replaces proline, which is neutral and non-polar, with serine, which is neutral and polar, at codon 346 of the MICAL1 protein (p.Pro346Ser). This variant is present in population databases (rs116818040, gnomAD 0.03%). This variant has not been reported in the literature in individuals affected with MICAL1-related conditions. ClinVar contains an entry for this variant (Variation ID: 2966305). An algorithm developed to predict the effect of missense changes on protein structure and function outputs the following: PolyPhen-2: "Benign". The serine amino acid residue is found in multiple mammalian species, which suggests that this missense change does not adversely affect protein function. In summary, the available evidence is currently insufficient to determine the role of this variant in disease. Therefore, it has been classified as a Variant of Uncertain Significance.

NM_022765.4(MICAL1):c.979C>T (p.Pro327Ser)

Gene: MICAL1 (microtubule associated monooxygenase, calponin and LIM domain containing 1; minus strand). Cytogenetic location: 6q21.
Variant type: single nucleotide variant.
Coding change: c.979C>T on transcript NM_022765.4 (MANE Select); coding-DNA position 979, C replaced by T.
Protein change: p.Pro327Ser; replaces proline 327 with serine.
Molecular consequence: missense variant. On other transcripts: intron variant (1).
Genome position (GRCh38, 1-based): chr6:109,450,512, G>A on the plus strand (C>T on the coding strand, the complement: MICAL1 is on the minus strand). VCF-style: chr6-109450512-G-A. GRCh37 (hg19) VCF-style: chr6-109771715-G-A.
Other names: c.1036C>T, p.Pro346Ser (NM_001286613.2); c.934-427C>T (NM_001159291.2); short protein forms P327S, P346S.
Identifiers: ClinVar variation 2966305 (VCV002966305.3), dbSNP rs116818040, ClinGen allele CA3953534.